The following is an entry in ClinVar:

NM_001017420.3(ESCO2):c.653_657del (p.Ser217_Ser218insTer)

Gene: ESCO2 (establishment of sister chromatid cohesion N-acetyltransferase 2; plus strand). Cytogenetic location: 8p21.1.
Variant type: Deletion.
Coding change: c.653_657del on transcript NM_001017420.3 (MANE Select); coding-DNA positions 653 to 657, 5 bases deleted (CTCTT; older notation c.653_657delCTCTT).
Protein change: p.Ser217_Ser218insTer.
Molecular consequence: nonsense.
Genome position (GRCh38, 1-based): chr8:27,776,961-27,776,965, CTCTT deleted; deleting any 5 consecutive bases within chr8:27,776,957-27,776,965 gives the same sequence; the c. name uses the placement nearest the transcript's 3' end. VCF-style (leftmost placement, unchanged base first): chr8-27776956-ATCTTC-A. GRCh37 (hg19) VCF-style: chr8-27634473-ATCTTC-A.
Identifiers: ClinVar variation 2841553 (VCV002841553.3), dbSNP rs2486628591, ClinGen allele CA2739279259.

ClinVar aggregate classification (germline): Pathogenic (1 of 4 stars; one submission).

Submission:

Labcorp Genetics (formerly Invitae), Labcorp
Classification: Pathogenic. Last evaluated: 2023-02-28. Review status: criteria provided, single submitter. Criteria: Invitae Variant Classification Sherloc (09022015). Collection method: clinical testing. Allele origin: germline.
Comment: This variant is not present in population databases (gnomAD no frequency). This sequence change creates a premature translational stop signal (p.Ser218*) in the ESCO2 gene. It is expected to result in an absent or disrupted protein product. Loss-of-function variants in ESCO2 are known to be pathogenic (PMID: 15821733, 16380922). For these reasons, this variant has been classified as Pathogenic. This variant has not been reported in the literature in individuals affected with ESCO2-related conditions.

Literature cited by the submitters: PubMed 15821733; PubMed 16380922.